The following is an entry in ClinVar:

ClinVar aggregate classification (germline): Benign. Review status: criteria provided, multiple submitters, no conflicts (2 of 4 stars). 2 submissions from 2 submitters: Benign (2). Last evaluated 2026-01-25.

Conditions:
Pyruvate carboxylase deficiency. Also called: LEIGH NECROTIZING ENCEPHALOPATHY DUE TO PYRUVATE CARBOXYLASE DEFICIENCY; LEIGH SYNDROME DUE TO PYRUVATE CARBOXYLASE DEFICIENCY; PC DEFICIENCY; ATAXIA WITH LACTIC ACIDOSIS II; Pyruvate Carboxylase Deficiency Disease. Identifiers: Orphanet 3008, MedGen C0034341, MONDO:0009949, OMIM 266150.

Allele frequency attached by ClinVar (database versions not stated): gnomAD exomes 0.00094 and 0.00160; gnomAD 0.00097 and 0.00099; TOPMed 0.00109; ExAC 0.00124; ESP Exome Variant Server 0.00144.

Submissions (2):

Labcorp Genetics (formerly Invitae), Labcorp
Classification: Benign for Pyruvate carboxylase deficiency. Last evaluated: 2026-01-25. Review status: criteria provided, single submitter. Criteria: Invitae Variant Classification Sherloc (09022015). Collection method: clinical testing. Allele origin: germline.

GeneDx
Classification: Benign. Last evaluated: 2013-09-13. Review status: criteria provided, single submitter. Criteria: GeneDx Variant Classification (06012015). Collection method: clinical testing. Allele origin: germline. Affected: yes.
Comment: The variant is found in MITO24-MITOP,MITONUC-MITOP panel(s).

NM_001040716.2(PC):c.1513+13del

Gene: PC (pyruvate carboxylase; minus strand). Cytogenetic location: 11q13.2.
Variant type: Deletion.
Coding change: c.1513+13del on transcript NM_001040716.2 (MANE Select); 13 bases into the intron after coding-DNA position 1513, one base deleted (A; older notation c.1513+13delA).
Molecular consequence: intron variant.
Genome position (GRCh38, 1-based): chr11:66,853,226, T deleted on the plus strand (A on the coding strand, the reverse complement: PC is on the minus strand). VCF-style (leftmost placement, unchanged base first): chr11-66853225-GT-G. GRCh37 (hg19) VCF-style: chr11-66620696-GT-G.
Other names: c.1513+13del (NM_000920.4, NM_022172.3).
Identifiers: ClinVar variation 203893 (VCV000203893.12), dbSNP rs755170894, ClinGen allele CA312841.